The following is an entry in ClinVar:

NM_004364.5(CEBPA):c.433C>T (p.Pro145Ser)

Gene: CEBPA (CCAAT enhancer binding protein alpha; minus strand). Cytogenetic location: 19q13.11.
Variant type: single nucleotide variant.
Coding change: c.433C>T on transcript NM_004364.5 (MANE Select); coding-DNA position 433, C replaced by T.
Protein change: p.Pro145Ser; replaces proline 145 with serine.
Molecular consequence: missense variant.
Genome position (GRCh38, 1-based): chr19:33,301,982, G>A on the plus strand (C>T on the coding strand, the complement: CEBPA is on the minus strand). VCF-style: chr19-33301982-G-A. GRCh37 (hg19) VCF-style: chr19-33792888-G-A.
Other names: c.76C>T, p.Pro26Ser (NM_001285829.2); c.538C>T, p.Pro180Ser (NM_001287424.2); c.391C>T, p.Pro131Ser (NM_001287435.2); short protein forms P145S, P131S, P180S, P26S.
Identifiers: ClinVar variation 4827141 (VCV004827141.1).

ClinVar aggregate classification (germline): Uncertain significance (1 of 4 stars; one submission).

Conditions:
Inborn genetic diseases. Identifiers: MedGen C0950123, MeSH D030342.

Submission:

Ambry Genetics
Classification: Uncertain significance for Inborn genetic diseases. Last evaluated: 2026-02-24. Review status: criteria provided, single submitter. Criteria: Ambry Variant Classification Scheme 2023. Collection method: clinical testing. Allele origin: germline.
Comment: The p.P145S variant (also known as c.433C>T), located in coding exon 1 of the CEBPA gene, results from a C to T substitution at nucleotide position 433. The proline at codon 145 is replaced by serine, an amino acid with similar properties. This amino acid position is conserved. In addition, this alteration is predicted to be tolerated by in silico analysis. Based on the available evidence, the clinical significance of this variant remains unclear.